The following is an entry in ClinVar:

NM_000297.4(PKD2):c.710-1G>A

Gene: PKD2 (polycystin 2, transient receptor potential cation channel; plus strand). Cytogenetic location: 4q22.1.
Variant type: single nucleotide variant.
Coding change: c.710-1G>A on transcript NM_000297.4 (MANE Select); the canonical splice acceptor site of the intron before coding-DNA position 710, G replaced by A.
Molecular consequence: splice acceptor variant.
Genome position (GRCh38, 1-based): chr4:88,036,219, G>A. VCF-style: chr4-88036219-G-A. GRCh37 (hg19) VCF-style: chr4-88957371-G-A.
Identifiers: ClinVar variation 1255534 (VCV001255534.3), dbSNP rs2110104725, ClinGen allele CA357630870.

ClinVar aggregate classification (germline): Likely pathogenic. Review status: criteria provided, multiple submitters, no conflicts (2 of 4 stars). 3 submissions from 3 submitters: Likely pathogenic (2). 1 of the submissions does not count toward it. Last evaluated 2026-07-07.

Conditions:
Polycystic kidney disease 2 (PKD2). Also called: Polycystic Kidney Disease 2, Autosomal Dominant; POLYCYSTIC KIDNEY DISEASE, ADULT, TYPE II; POLYCYSTIC KIDNEY DISEASE 2 WITH OR WITHOUT POLYCYSTIC LIVER DISEASE. Identifiers: MedGen C2751306, MONDO:0013131, OMIM 613095.
Autosomal dominant polycystic kidney disease. Identifiers: Orphanet 730, MedGen C0085413, MONDO:0004691.

Submissions (3):

Medgenome Labs Ltd
Classification: Likely pathogenic for Polycystic kidney disease 2. Last evaluated: 2026-07-07. Review status: criteria provided, single submitter. Criteria: ACMG Guidelines, 2015. Collection method: clinical testing. Allele origin: germline. Affected: yes.

Victorian Clinical Genetics Services, Murdoch Childrens Research Institute
Classification: Likely pathogenic for Polycystic kidney disease 2. Last evaluated: 2026-05-14. Review status: criteria provided, single submitter. Criteria: ACMG Guidelines, 2015. Collection method: clinical testing. Allele origin: germline. Affected: yes.
Comment: This variant is classified as Likely pathogenic. Evidence in support of pathogenic classification: Canonical splice site variant without proven consequence on splicing (no functional evidence available); Variant is absent from gnomAD (v2, v3 and v4); Another splice region variant comparable to the one identified in this case has limited previous evidence for pathogenicity. c.710-2A>G has been classified as pathogenic by multiple clinical laboratories in ClinVar; Abnormal splicing is predicted by in silico tool and affected nucleotide is highly conserved. Additional information: This variant is heterozygous; This gene is associated with autosomal dominant disease; Alternative nucleotide change(s) at the same canonical splice site are present in gnomAD (highest alelle count: v4: 1 heterozygote(s), 0 homozygote(s)); This variant has no previous evidence of pathogenicity; No published evidence of segregation with disease has been identified for this variant; No published functional evidence has been identified for this variant; Loss of function is a known mechanism of disease in this gene and is associated with polycystic kidney disease 2 (MIM#613095); Inheritance information for this variant is not currently available in this individual.

Laboratory of Gastroenterology and Hepatology, Radboud University Medical Center
Classification: Pathogenic for Autosomal dominant polycystic kidney disease. Last evaluated: 2021-09-01. Review status: no assertion criteria provided. Collection method: research. Allele origin: germline. Affected: yes. Not counted in ClinVar's aggregate classification.